The following is an entry in ClinVar:

ClinVar aggregate classification (germline): Conflicting classifications of pathogenicity. Review status: criteria provided, conflicting classifications (1 of 4 stars). 4 submissions from 4 submitters: Uncertain significance (1); Benign (1); Likely benign (2). Last evaluated 2025-06-05.

Conditions:
Hereditary cancer-predisposing syndrome. Also called: Tumor predisposition; Neoplastic Syndromes, Hereditary; Hereditary Cancer Syndrome; Hereditary neoplastic syndrome. Identifiers: Orphanet 140162, MedGen C0027672, MeSH D009386, MONDO:0015356.
Tuberous sclerosis 2 (TSC2). Identifiers: Orphanet 805, MedGen C1860707, MONDO:0013199, OMIM 613254.

Allele frequency attached by ClinVar (database versions not stated): gnomAD exomes below 0.00001; gnomAD 0.00001.
gnomAD v4.1: 3 of 1,612,754 alleles (0.00019%); highest among the groups gnomAD compares: South Asian, 0.0022%; no homozygotes.

Submissions (4):

Myriad Genetics, Inc.
Classification: Benign for Tuberous sclerosis 2. Last evaluated: 2025-06-05. Review status: criteria provided, single submitter. Criteria: Myriad Autosomal Dominant, Autosomal Recessive and X-Linked Classification Criteria (2023). Collection method: clinical testing. Allele origin: unknown.
Comment: This variant is considered benign. This variant is a silent/synonymous amino acid change and it is not expected to impact splicing.

Labcorp Genetics (formerly Invitae), Labcorp
Classification: Likely benign for Tuberous sclerosis 2. Last evaluated: 2025-05-08. Review status: criteria provided, single submitter. Criteria: Invitae Variant Classification Sherloc (09022015). Collection method: clinical testing. Allele origin: germline.

Ambry Genetics
Classification: Likely benign for Hereditary cancer-predisposing syndrome. Last evaluated: 2023-05-15. Review status: criteria provided, single submitter. Criteria: Ambry Variant Classification Scheme 2023. Collection method: clinical testing. Allele origin: germline.

GeneDx
Classification: Uncertain significance. Last evaluated: 2022-07-21. Review status: criteria provided, single submitter. Criteria: GeneDx Variant Classification Process June 2021. Collection method: clinical testing. Allele origin: germline. Affected: yes.
Comment: In silico analysis supports that this variant does not alter splicing; Has not been previously published as pathogenic or benign to our knowledge

NM_000548.5(TSC2):c.4824C>T (p.Tyr1608=)

Gene: TSC2 (TSC complex subunit 2; plus strand). Cytogenetic location: 16p13.3.
Variant type: single nucleotide variant.
Coding change: c.4824C>T on transcript NM_000548.5 (MANE Select); coding-DNA position 4824, C replaced by T.
Protein change: p.Tyr1608=; no amino-acid change (tyrosine 1608 retained).
Molecular consequence: synonymous variant.
Genome position (GRCh38, 1-based): chr16:2,086,354, C>T. VCF-style: chr16-2086354-C-T. GRCh37 (hg19) VCF-style: chr16-2136355-C-T.
Other names: c.4656C>T, p.Tyr1552= (NM_001318832.2); c.4626C>T, p.Tyr1542= (NM_001363528.2); c.4692C>T, p.Tyr1564= (NM_001370404.1); c.4695C>T, p.Tyr1565= (NM_001370405.1, NM_021055.3); c.4824C>T (NM_000548.3); c.4623C>T, p.Tyr1541= (NM_001077183.3); c.4755C>T, p.Tyr1585= (NM_001114382.3); c.4515C>T, p.Tyr1505= (NM_001318827.2); and 2 more.
Identifiers: ClinVar variation 1095451 (VCV001095451.11), dbSNP rs1422829075, ClinGen allele CA493043589.